The following is an entry in ClinVar:

ClinVar aggregate classification (germline): Uncertain significance (1 of 4 stars; one submission).

Conditions:
Cardiovascular phenotype. Identifiers: MedGen CN230736.

Allele frequency attached by ClinVar (database versions not stated): gnomAD exomes below 0.00001; TOPMed below 0.00001.
gnomAD v4.1: 1 of 1,613,818 alleles (0.000062%); highest among the groups gnomAD compares: Non-Finnish European, 0.000085%; no homozygotes.

Submission:

Ambry Genetics
Classification: Uncertain significance for Cardiovascular phenotype. Last evaluated: 2021-06-22. Review status: criteria provided, single submitter. Criteria: Ambry Variant Classification Scheme 2023. Collection method: clinical testing. Allele origin: germline.
Comment: The p.P1035L variant (also known as c.3104C>T), located in coding exon 20 of the FLNC gene, results from a C to T substitution at nucleotide position 3104. The proline at codon 1035 is replaced by leucine, an amino acid with similar properties. This amino acid position is conserved. In addition, this alteration is predicted to be tolerated by in silico analysis. Since supporting evidence is limited at this time, the clinical significance of this alteration remains unclear.

NM_001458.5(FLNC):c.3104C>T (p.Pro1035Leu)

Gene: FLNC (filamin C; plus strand). Cytogenetic location: 7q32.1.
Variant type: single nucleotide variant.
Coding change: c.3104C>T on transcript NM_001458.5 (MANE Select); coding-DNA position 3104, C replaced by T.
Protein change: p.Pro1035Leu; replaces proline 1035 with leucine.
Molecular consequence: missense variant.
Genome position (GRCh38, 1-based): chr7:128,844,178, C>T. VCF-style: chr7-128844178-C-T. GRCh37 (hg19) VCF-style: chr7-128484232-C-T.
Other names: c.3104C>T, p.Pro1035Leu (NM_001127487.2); short protein forms P1035L.
Identifiers: ClinVar variation 1727671 (VCV001727671.2), dbSNP rs1808458197, ClinGen allele CA369194354.